The following is an entry in ClinVar:

NM_033109.5(PNPT1):c.1739-150A>G

Gene: PNPT1 (polyribonucleotide nucleotidyltransferase 1; minus strand). Cytogenetic location: 2p16.1.
Variant type: single nucleotide variant.
Coding change: c.1739-150A>G on transcript NM_033109.5 (MANE Select); 150 bases into the intron before coding-DNA position 1739, A replaced by G.
Molecular consequence: intron variant.
Genome position (GRCh38, 1-based): chr2:55,645,582, T>C on the plus strand (A>G on the coding strand, the complement: PNPT1 is on the minus strand). VCF-style: chr2-55645582-T-C. GRCh37 (hg19) VCF-style: chr2-55872717-T-C.
Identifiers: ClinVar variation 676182 (VCV000676182.2), dbSNP rs72805490, ClinGen allele CA47651161.

ClinVar aggregate classification (germline): Likely benign. Review status: criteria provided, multiple submitters, no conflicts (2 of 4 stars). 2 submissions from 2 submitters: Likely benign (2). Last evaluated 2018-06-14.

Allele frequency attached by ClinVar (database versions not stated): 1000 Genomes Project 30x 0.02530; 1000 Genomes Project 0.02716; TOPMed 0.02793; gnomAD 0.02861 and 0.03024.
gnomAD v4.1: 21,403 of 554,788 alleles (3.9%); highest among the groups gnomAD compares: South Asian, 9.9%; 643 homozygotes.

Submissions (2):

GeneDx
Classification: Likely benign. Last evaluated: 2018-06-14. Review status: criteria provided, single submitter. Criteria: GeneDx Variant Classification (06012015). Collection method: clinical testing. Allele origin: germline. Affected: yes.
Comment: This variant is considered likely benign or benign based on one or more of the following criteria: it is a conservative change, it occurs at a poorly conserved position in the protein, it is predicted to be benign by multiple in silico algorithms, and/or has population frequency not consistent with disease.

Breakthrough Genomics
Classification: Likely benign. Review status: criteria provided, single submitter. Criteria: ACMG Guidelines, 2015. Collection method: not provided. Allele origin: germline. Inheritance: Autosomal recessive inheritance. Affected: yes.